The following is an entry in ClinVar:

NM_001377.3(DYNC2H1):c.12484G>T (p.Ala4162Ser)

Gene: DYNC2H1 (dynein cytoplasmic 2 heavy chain 1; plus strand). Cytogenetic location: 11q22.3.
Variant type: single nucleotide variant.
Coding change: c.12484G>T on transcript NM_001377.3 (MANE Select); coding-DNA position 12484, G replaced by T.
Protein change: p.Ala4162Ser; replaces alanine 4162 with serine.
Molecular consequence: missense variant.
Genome position (GRCh38, 1-based): chr11:103,455,213, G>T. VCF-style: chr11-103455213-G-T. GRCh37 (hg19) VCF-style: chr11-103325941-G-T.
Other names: c.12505G>T, p.Ala4169Ser (NM_001080463.2); short protein forms A4162S, A4169S.
Identifiers: ClinVar variation 864088 (VCV000864088.8), dbSNP rs866777192, ClinGen allele CA227451791.

ClinVar aggregate classification (germline): Uncertain significance. Review status: criteria provided, multiple submitters, no conflicts (2 of 4 stars). 2 submissions from 2 submitters: Uncertain significance (2). Last evaluated 2026-03-02.

Conditions:
DYNC2H1-related disorder. Also called: DYNC2H1-related condition; DYNC2H1-related disorders. Identifiers: MedGen CN378770.
Jeune thoracic dystrophy. Also called: Jeune syndrome; Infantile thoracic dystrophy; Thoracic pelvic phalangeal dystrophy; Jeune's syndrome; Chondroectodermal dysplasia-like syndrome; Short-rib thoracic dysplasia. Identifiers: Orphanet 474, MedGen C0265275, MONDO:0018770.

Allele frequency attached by ClinVar (database versions not stated): TOPMed 0.00001.
gnomAD v4.1: 19 of 1,613,004 alleles (0.0012%); highest among the groups gnomAD compares: African/African-American, 0.0094%; 1 homozygote.

Submissions (2):

PreventionGenetics, part of Exact Sciences
Classification: Uncertain significance for DYNC2H1-related condition. Last evaluated: 2026-03-02. Review status: criteria provided, single submitter. Criteria: ACMG Guidelines, 2015. Collection method: clinical testing. Allele origin: germline.
Comment: The DYNC2H1 c.12505G>T variant is predicted to result in the amino acid substitution p.Ala4169Ser. To our knowledge, this variant has not been reported in the literature or in a large population database (gnomAD), indicating this variant is rare. A different variant at the same amino acid residue (p.Ala4169Gly) was reported in the compound heterozygous state in an individual with short-rib thoracic dysplasia 3 with or without polydactyly (Supplementary Table 2, Wang et al. 2021. PubMed ID: 33502061). At this time, the clinical significance of this variant is uncertain due to the absence of conclusive functional and genetic evidence.

Labcorp Genetics (formerly Invitae), Labcorp
Classification: Uncertain significance for Jeune thoracic dystrophy. Last evaluated: 2021-08-30. Review status: criteria provided, single submitter. Criteria: Invitae Variant Classification Sherloc (09022015). Collection method: clinical testing. Allele origin: germline.
Comment: This sequence change replaces alanine with serine at codon 4169 of the DYNC2H1 protein (p.Ala4169Ser). The alanine residue is weakly conserved and there is a moderate physicochemical difference between alanine and serine. This variant is not present in population databases (ExAC no frequency). This variant has not been reported in the literature in individuals affected with DYNC2H1-related conditions. Algorithms developed to predict the effect of missense changes on protein structure and function (SIFT, PolyPhen-2, Align-GVGD) all suggest that this variant is likely to be tolerated. In summary, the available evidence is currently insufficient to determine the role of this variant in disease. Therefore, it has been classified as a Variant of Uncertain Significance.